The following is an entry in ClinVar:

ClinVar aggregate classification (germline): Likely pathogenic (1 of 4 stars; one submission).

Conditions:
Coffin-Lowry syndrome (CLS). Also called: Mental retardation with osteocartilaginous abnormalities; COFFIN-LOWRY SYNDROME, MILD. Identifiers: Orphanet 192, MedGen C0265252, MONDO:0010561, OMIM 303600.

Submission:

Juno Genomics, Hangzhou Juno Genomics, Inc
Classification: Likely pathogenic for Coffin-Lowry syndrome. Review status: criteria provided, single submitter. Criteria: ACMG Guidelines, 2015. Collection method: clinical testing. Allele origin: germline. Affected: yes.
Comment: Absent from controls (or at extremely low frequency if recessive) in Genome Aggregation Database.;Null variant in a gene where loss of function (LOF) is a known mechanism of disease.

NM_004586.3(RPS6KA3):c.753del (p.Trp251fs)

Gene: RPS6KA3 (ribosomal protein S6 kinase A3; minus strand). Cytogenetic location: Xp22.12.
Variant type: Deletion.
Coding change: c.753del on transcript NM_004586.3 (MANE Select); coding-DNA position 753, one base deleted (G; older notation c.753delG).
Protein change: p.Trp251fs; shifts the reading frame from tryptophan 251.
Molecular consequence: frameshift variant.
Genome position (GRCh38, 1-based): chrX:20,187,849, C deleted on the plus strand (G on the coding strand, the reverse complement: RPS6KA3 is on the minus strand); the first of 2 consecutive C bases (chrX:20,187,849-20,187,850); deleting either gives the same sequence. VCF-style (leftmost placement, unchanged base first): chrX-20187848-AC-A. GRCh37 (hg19) VCF-style: chrX-20205966-AC-A.
Other names: c.669del, p.Trp223fs (NM_001438340.1); short protein forms W223fs, W251fs.
Identifiers: ClinVar variation 5018689 (VCV005018689.1).